The following is an entry in ClinVar:

ClinVar aggregate classification (germline): Likely pathogenic (1 of 4 stars; one submission).

Conditions:
Autosomal recessive polycystic kidney disease (ARPKD). Also called: AR polycystic kidney disease. Identifiers: Orphanet 731, Orphanet 8378, MedGen C0085548, MeSH D017044, MONDO:0009889.

Submission:

Natera, Inc.
Classification: Likely pathogenic for Autosomal recessive polycystic kidney disease. Last evaluated: 2025-05-27. Review status: criteria provided, single submitter. Criteria: Natera Variant Classification Schema (03/2026). Collection method: clinical testing. Allele origin: germline.
Comment: The c.4092T>A variant in PKHD1 is a nonsense variant predicted to introduce a stop codon at amino acid 1364. This variant is expected to result in nonsense mediated decay, truncation, or a dysfunctional protein product. This variant is rare in the general population with a frequency below the threshold expected for the associated phenotype(s). Given the available evidence, this variant is classified as Likely Pathogenic.

NM_138694.4(PKHD1):c.4092T>A (p.Tyr1364Ter)

Gene: PKHD1 (PKHD1 ciliary IPT domain containing fibrocystin/polyductin; minus strand). Cytogenetic location: 6p12.2.
Variant type: single nucleotide variant.
Coding change: c.4092T>A on transcript NM_138694.4 (MANE Select); coding-DNA position 4092, T replaced by A.
Protein change: p.Tyr1364Ter; replaces tyrosine 1364 with a stop codon.
Molecular consequence: nonsense.
Genome position (GRCh38, 1-based): chr6:52,025,718, A>T on the plus strand (T>A on the coding strand, the complement: PKHD1 is on the minus strand). VCF-style: chr6-52025718-A-T. GRCh37 (hg19) VCF-style: chr6-51890516-A-T.
Other names: c.4092T>A, p.Tyr1364Ter (NM_170724.3); short protein forms Y1364*.
Identifiers: ClinVar variation 4059806 (VCV004059806.2).